The following is an entry in ClinVar:

ClinVar aggregate classification (germline): Uncertain significance. Review status: criteria provided, multiple submitters, no conflicts (2 of 4 stars). 2 submissions from 2 submitters: Uncertain significance (2). Last evaluated 2025-09-21.

Conditions:
Renal cell carcinoma. Identifiers: Orphanet 217071, MedGen C0007134, MeSH D002292, MONDO:0005086, HP:0005584.
Hereditary cancer-predisposing syndrome. Also called: Neoplastic Syndromes, Hereditary; Tumor predisposition; Hereditary Cancer Syndrome; Hereditary neoplastic syndrome. Identifiers: Orphanet 140162, MedGen C0027672, MeSH D009386, MONDO:0015356.

Submissions (2):

Labcorp Genetics (formerly Invitae), Labcorp
Classification: Uncertain significance for Renal cell carcinoma. Last evaluated: 2025-09-21. Review status: criteria provided, single submitter. Criteria: Invitae Variant Classification Sherloc (09022015). Collection method: clinical testing. Allele origin: germline.
Comment: This sequence change replaces leucine, which is neutral and non-polar, with valine, which is neutral and non-polar, at codon 785 of the MET protein (p.Leu785Val). This variant is not present in population databases (gnomAD no frequency). This variant has not been reported in the literature in individuals affected with MET-related conditions. ClinVar contains an entry for this variant (Variation ID: 2115813). Invitae Evidence Modeling of protein sequence and biophysical properties (such as structural, functional, and spatial information, amino acid conservation, physicochemical variation, residue mobility, and thermodynamic stability) indicates that this missense variant is expected to disrupt MET protein function with a positive predictive value of 80%. In summary, the available evidence is currently insufficient to determine the role of this variant in disease. Therefore, it has been classified as a Variant of Uncertain Significance.

Ambry Genetics
Classification: Uncertain significance for Hereditary cancer-predisposing syndrome. Last evaluated: 2025-02-03. Review status: criteria provided, single submitter. Criteria: Ambry Variant Classification Scheme 2023. Collection method: clinical testing. Allele origin: germline.
Comment: The p.L785V variant (also known as c.2353C>G), located in coding exon 9 of the MET gene, results from a C to G substitution at nucleotide position 2353. The leucine at codon 785 is replaced by valine, an amino acid with highly similar properties. This amino acid position is conserved. In addition, the in silico prediction for this alteration is inconclusive. Based on the available evidence, the clinical significance of this variant remains unclear.

NM_000245.4(MET):c.2299C>G (p.Leu767Val)

Gene: MET (MET proto-oncogene, receptor tyrosine kinase; plus strand). Cytogenetic location: 7q31.2.
Variant type: single nucleotide variant.
Coding change: c.2299C>G on transcript NM_000245.4 (MANE Select); coding-DNA position 2299, C replaced by G.
Protein change: p.Leu767Val; replaces leucine 767 with valine.
Molecular consequence: missense variant.
Genome position (GRCh38, 1-based): chr7:116,759,425, C>G. VCF-style: chr7-116759425-C-G. GRCh37 (hg19) VCF-style: chr7-116399479-C-G.
Other names: c.2353C>G, p.Leu785Val (NM_001127500.3); c.2299C>G, p.Leu767Val (NM_001324401.3); c.1009C>G, p.Leu337Val (NM_001324402.2); short protein forms L337V, L785V, L767V.
Identifiers: ClinVar variation 2115813 (VCV002115813.5), dbSNP rs1794310643, ClinGen allele CA368982152.